The following is an entry in ClinVar:

NM_001364905.1(LRBA):c.5272G>A (p.Ala1758Thr)

Gene: LRBA (LPS responsive beige-like anchor protein; minus strand). Cytogenetic location: 4q31.3.
Variant type: single nucleotide variant.
Coding change: c.5272G>A on transcript NM_001364905.1 (MANE Select); coding-DNA position 5272, G replaced by A.
Protein change: p.Ala1758Thr; replaces alanine 1758 with threonine.
Molecular consequence: missense variant.
Genome position (GRCh38, 1-based): chr4:150,817,157, C>T on the plus strand (G>A on the coding strand, the complement: LRBA is on the minus strand). VCF-style: chr4-150817157-C-T. GRCh37 (hg19) VCF-style: chr4-151738309-C-T.
Other names: c.5272G>A, p.Ala1758Thr (NM_001199282.3, NM_001367550.1, NM_006726.5); short protein forms A1758T.
Identifiers: ClinVar variation 953915 (VCV000953915.7), dbSNP rs757135525, ClinGen allele CA3102540.
Genomic context (GRCh38, chr4:150,817,157, plus strand): 5'-TGTTGAAATCACTGATAACTAACTCACCTGGTGATTCTCCTCCCATATCTGAGGCTTGGG[C>T]TGAATCTACTGAGGAAACCACACTGACAGCATTGGTAGGTATGCTTGTATTAAAGGTGGA-3'
Protein context (NP_001351834.1, residues 1748-1768): AVSVVSSVDS[Ala1758Thr]QASDMGGESP

ClinVar aggregate classification (germline): Uncertain significance. Review status: criteria provided, multiple submitters, no conflicts (2 of 4 stars). 2 submissions from 2 submitters: Uncertain significance (2). Last evaluated 2024-01-03.

Conditions:
Combined immunodeficiency due to LRBA deficiency. Also called: Common variable immunodeficiency 8, with autoimmunity. Identifiers: Orphanet 445018, MedGen C3553512, MONDO:0013863, OMIM 614700.
Inborn genetic diseases. Identifiers: MedGen C0950123, MeSH D030342.

Allele frequency attached by ClinVar (database versions not stated): TOPMed below 0.00001; gnomAD 0.00001; gnomAD exomes 0.00002; ExAC 0.00003.
gnomAD v4.1: 28 of 1,611,910 alleles (0.0017%); highest among the groups gnomAD compares: Middle Eastern, 0.066%; no homozygotes.

Submissions (2):

Ambry Genetics
Classification: Uncertain significance for Inborn genetic diseases. Last evaluated: 2024-01-03. Review status: criteria provided, single submitter. Criteria: Ambry Variant Classification Scheme 2023. Collection method: clinical testing. Allele origin: germline.

Labcorp Genetics (formerly Invitae), Labcorp
Classification: Uncertain significance for Combined immunodeficiency due to LRBA deficiency. Last evaluated: 2022-06-23. Review status: criteria provided, single submitter. Criteria: Invitae Variant Classification Sherloc (09022015). Collection method: clinical testing. Allele origin: germline.
Comment: This sequence change replaces alanine, which is neutral and non-polar, with threonine, which is neutral and polar, at codon 1758 of the LRBA protein (p.Ala1758Thr). This variant is present in population databases (rs757135525, gnomAD 0.004%). This variant has not been reported in the literature in individuals affected with LRBA-related conditions. ClinVar contains an entry for this variant (Variation ID: 953915). Algorithms developed to predict the effect of missense changes on protein structure and function output the following: SIFT: "Tolerated"; PolyPhen-2: "Benign"; Align-GVGD: "Class C0". The threonine amino acid residue is found in multiple mammalian species, which suggests that this missense change does not adversely affect protein function. In summary, the available evidence is currently insufficient to determine the role of this variant in disease. Therefore, it has been classified as a Variant of Uncertain Significance.